The following is an entry in ClinVar:

NM_005481.3(MED16):c.1288C>T (p.His430Tyr)

Gene: MED16 (mediator complex subunit 16; minus strand). Cytogenetic location: 19p13.3.
Variant type: single nucleotide variant.
Coding change: c.1288C>T on transcript NM_005481.3 (MANE Select); coding-DNA position 1288, C replaced by T.
Protein change: p.His430Tyr; replaces histidine 430 with tyrosine.
Molecular consequence: missense variant.
Genome position (GRCh38, 1-based): chr19:880,002, G>A on the plus strand (C>T on the coding strand, the complement: MED16 is on the minus strand). VCF-style: chr19-880002-G-A. GRCh37 (hg19) VCF-style: chr19-880002-G-A.
Other names: short protein forms H430Y.
Identifiers: ClinVar variation 4084523 (VCV004084523.8).

ClinVar aggregate classification (germline): Uncertain significance (1 of 4 stars; one submission).

gnomAD v4.1: 22 of 1,610,160 alleles (0.0014%); highest among the groups gnomAD compares: Middle Eastern, 0.084%; no homozygotes.

Submission:

CeGaT Center for Human Genetics Tuebingen
Classification: Uncertain significance. Last evaluated: 2025-07-01. Review status: criteria provided, single submitter. Criteria: CeGaT Center For Human Genetics Tuebingen Variant Classification Criteria Version 2. Collection method: clinical testing. Allele origin: germline. Affected: yes. Observed: 1 variant allele.
Comment: MED16: PM2